The following is an entry in ClinVar:

NM_031935.3(HMCN1):c.2489A>G (p.Asp830Gly)

Gene: HMCN1 (hemicentin 1; plus strand). Cytogenetic location: 1q31.1.
Variant type: single nucleotide variant.
Coding change: c.2489A>G on transcript NM_031935.3 (MANE Select); coding-DNA position 2489, A replaced by G.
Protein change: p.Asp830Gly; replaces aspartic acid 830 with glycine.
Molecular consequence: missense variant.
Genome position (GRCh38, 1-based): chr1:185,977,904, A>G. VCF-style: chr1-185977904-A-G. GRCh37 (hg19) VCF-style: chr1-185947036-A-G.
Other names: short protein forms D830G.
Identifiers: ClinVar variation 3006755 (VCV003006755.3), dbSNP rs1316220022, ClinGen allele CA343883645.

ClinVar aggregate classification (germline): Uncertain significance (1 of 4 stars; one submission).

Allele frequency attached by ClinVar (database versions not stated): gnomAD exomes below 0.00001; TOPMed below 0.00001.
gnomAD v4.1: 1 of 1,613,430 alleles (0.000062%); highest among the groups gnomAD compares: South Asian, 0.0011%; no homozygotes.

Submission:

Labcorp Genetics (formerly Invitae), Labcorp
Classification: Uncertain significance. Last evaluated: 2023-11-07. Review status: criteria provided, single submitter. Criteria: Invitae Variant Classification Sherloc (09022015). Collection method: clinical testing. Allele origin: germline.
Comment: This sequence change replaces aspartic acid, which is acidic and polar, with glycine, which is neutral and non-polar, at codon 830 of the HMCN1 protein (p.Asp830Gly). This variant is not present in population databases (gnomAD no frequency). This variant has not been reported in the literature in individuals affected with HMCN1-related conditions. An algorithm developed to predict the effect of missense changes on protein structure and function (PolyPhen-2) suggests that this variant is likely to be disruptive. In summary, the available evidence is currently insufficient to determine the role of this variant in disease. Therefore, it has been classified as a Variant of Uncertain Significance.